The following is an entry in ClinVar:

NM_000719.7(CACNA1C):c.3828+5G>A

Gene: CACNA1C (calcium voltage-gated channel subunit alpha1 C; plus strand). Cytogenetic location: 12p13.33.
Variant type: single nucleotide variant.
Coding change: c.3828+5G>A on transcript NM_000719.7 (MANE Select); 5 bases into the intron after coding-DNA position 3828, G replaced by A.
Molecular consequence: intron variant.
Genome position (GRCh38, 1-based): chr12:2,612,018, G>A. VCF-style: chr12-2612018-G-A. GRCh37 (hg19) VCF-style: chr12-2721184-G-A.
Other names: c.3828+5G>A (NM_001167624.3, NM_001167623.2, NM_001167625.2 and 15 more transcripts); c.3888+5G>A (NM_199460.4, NM_001129827.2, NM_001129832.2); c.3819+5G>A (NM_001129844.2).
Identifiers: ClinVar variation 2707508 (VCV002707508.3), dbSNP rs2078046814, ClinGen allele CA383377496.

ClinVar aggregate classification (germline): Uncertain significance (1 of 4 stars; one submission).

Conditions:
Long QT syndrome (LQTS). Identifiers: MedGen C0023976, MeSH D008133, MONDO:0002442. Disease mechanism: loss of function. Inheritance: Various modes of inheritance.

Submission:

Labcorp Genetics (formerly Invitae), Labcorp
Classification: Uncertain significance for Long QT syndrome. Last evaluated: 2024-01-04. Review status: criteria provided, single submitter. Criteria: Invitae Variant Classification Sherloc (09022015). Collection method: clinical testing. Allele origin: germline.
Comment: This sequence change falls in intron 29 of the CACNA1C gene. It does not directly change the encoded amino acid sequence of the CACNA1C protein. It affects a nucleotide within the consensus splice site. This variant is not present in population databases (gnomAD no frequency). This variant has not been reported in the literature in individuals affected with CACNA1C-related conditions. Variants that disrupt the consensus splice site are a relatively common cause of aberrant splicing (PMID: 17576681, 9536098). Algorithms developed to predict the effect of sequence changes on RNA splicing suggest that this variant is not likely to affect RNA splicing. In summary, the available evidence is currently insufficient to determine the role of this variant in disease. Therefore, it has been classified as a Variant of Uncertain Significance.

Literature cited by the submitters: PubMed 17576681; PubMed 9536098.